The following is an entry in ClinVar:

ClinVar aggregate classification (germline): Benign. Review status: criteria provided, single submitter (1 of 4 stars). 2 submissions from 2 submitters: Benign (1). 1 of the submissions does not count toward it. Last evaluated 2025-04-28.

Conditions:
PIGT-related disorder.
Multiple congenital anomalies-hypotonia-seizures syndrome 3 (MCAHS3). Also called: GLYCOSYLPHOSPHATIDYLINOSITOL BIOSYNTHESIS DEFECT 7. Identifiers: Orphanet 369837, MedGen C3809356, MONDO:0014165, OMIM 615398.

Allele frequency attached by ClinVar (database versions not stated): TOPMed 0.00004; gnomAD 0.00022; 1000 Genomes Project 30x 0.00094; ExAC 0.00109; 1000 Genomes Project 0.00120.
gnomAD v4.1: 821 of 1,586,694 alleles (0.052%); highest among the groups gnomAD compares: East Asian, 1.8%; 11 homozygotes.

Submissions (2):

Labcorp Genetics (formerly Invitae), Labcorp
Classification: Benign for Multiple congenital anomalies-hypotonia-seizures syndrome 3. Last evaluated: 2025-04-28. Review status: criteria provided, single submitter. Criteria: Invitae Variant Classification Sherloc (09022015). Collection method: clinical testing. Allele origin: germline.

PreventionGenetics, part of Exact Sciences
Classification: Likely benign for PIGT-related condition. Last evaluated: 2019-04-13. Review status: no assertion criteria provided. Collection method: clinical testing. Allele origin: germline. Not counted in ClinVar's aggregate classification.
Comment: This variant is classified as likely benign based on ACMG/AMP sequence variant interpretation guidelines (Richards et al. 2015 PMID: 25741868, with internal and published modifications).

NM_015937.6(PIGT):c.33C>T (p.Val11=)

Gene: PIGT (phosphatidylinositol glycan anchor biosynthesis class T; plus strand). Cytogenetic location: 20q13.12.
Variant type: single nucleotide variant.
Coding change: c.33C>T on transcript NM_015937.6 (MANE Select); coding-DNA position 33, C replaced by T.
Protein change: p.Val11=; no amino-acid change (valine 11 retained).
Molecular consequence: synonymous variant. On other transcripts: non-coding transcript variant (5).
Genome position (GRCh38, 1-based): chr20:45,416,189, C>T. VCF-style: chr20-45416189-C-T. GRCh37 (hg19) VCF-style: chr20-44044829-C-T.
Other names: c.33C>T (NM_015937.5); c.33C>T, p.Val11= (NM_001184728.3, NM_001184729.3, NM_001184730.3).
Identifiers: ClinVar variation 2199423 (VCV002199423.6), dbSNP rs17526473, ClinGen allele CA9877765.
Genomic context (GRCh38, chr20:45,416,189, plus strand): 5'-CGCTGGGTAGGCGGAAGTAGCCGCAGGCATGGCGGCGGCTATGCCGCTTGCTCTGCTCGT[C>T]CTGTTGCTCCTGGGGCCCGGCGGCTGGTGCCTTGCAGAACCCCCACGCGACAGCCTGCGG-3'
Protein context (NP_057021.2, residues 1-21): MAAAMPLALL[Val11=]LLLLGPGGWC